The following is an entry in ClinVar:

NM_004655.4(AXIN2):c.469A>G (p.Ile157Val)

Gene: AXIN2 (axin 2; minus strand). Cytogenetic location: 17q24.1.
Variant type: single nucleotide variant.
Coding change: c.469A>G on transcript NM_004655.4 (MANE Select); coding-DNA position 469, A replaced by G.
Protein change: p.Ile157Val; replaces isoleucine 157 with valine.
Molecular consequence: missense variant.
Genome position (GRCh38, 1-based): chr17:65,558,152, T>C on the plus strand (A>G on the coding strand, the complement: AXIN2 is on the minus strand). VCF-style: chr17-65558152-T-C. GRCh37 (hg19) VCF-style: chr17-63554270-T-C.
Other names: c.469A>G (LRG_296t1); c.469A>G, p.Ile157Val (NM_001363813.1); short protein forms I157V.
Identifiers: ClinVar variation 408842 (VCV000408842.16), dbSNP rs951973598, ClinGen allele CA16615626.

ClinVar aggregate classification (germline): Uncertain significance. Review status: criteria provided, multiple submitters, no conflicts (2 of 4 stars). 5 submissions from 5 submitters: Uncertain significance (5). Last evaluated 2025-12-10.

Conditions:
Colorectal cancer. Also called: Colorectal cancer, somatic; Malignant Colorectal Neoplasm. Identifiers: MedGen C0346629, MONDO:0005575, OMIM 114500.
Hereditary cancer-predisposing syndrome. Also called: Hereditary Cancer Syndrome; Hereditary neoplastic syndrome; Neoplastic Syndromes, Hereditary; Tumor predisposition. Identifiers: Orphanet 140162, MedGen C0027672, MeSH D009386, MONDO:0015356.
Oligodontia-cancer predisposition syndrome. Also called: TOOTH AGENESIS-COLORECTAL CANCER SYNDROME. Identifiers: Orphanet 300576, MedGen C1837750, MONDO:0012075, OMIM 608615. Disease mechanism: loss of function.

Allele frequency attached by ClinVar (database versions not stated): gnomAD 0.00001 and 0.00002; gnomAD exomes 0.00001; TOPMed 0.00001.
gnomAD v4.1: 10 of 1,614,090 alleles (0.00062%); highest among the groups gnomAD compares: African/African-American, 0.0027%; no homozygotes.

Submissions (5):

Labcorp Genetics (formerly Invitae), Labcorp
Classification: Uncertain significance for Oligodontia-cancer predisposition syndrome. Last evaluated: 2025-12-10. Review status: criteria provided, single submitter. Criteria: Invitae Variant Classification Sherloc (09022015). Collection method: clinical testing. Allele origin: germline.
Comment: This sequence change replaces isoleucine, which is neutral and non-polar, with valine, which is neutral and non-polar, at codon 157 of the AXIN2 protein (p.Ile157Val). This variant is not present in population databases (gnomAD no frequency). This variant has not been reported in the literature in individuals affected with AXIN2-related conditions. ClinVar contains an entry for this variant (Variation ID: 408842). Invitae Evidence Modeling of protein sequence and biophysical properties (such as structural, functional, and spatial information, amino acid conservation, physicochemical variation, residue mobility, and thermodynamic stability) indicates that this missense variant is not expected to disrupt AXIN2 protein function with a negative predictive value of 80%. In summary, the available evidence is currently insufficient to determine the role of this variant in disease. Therefore, it has been classified as a Variant of Uncertain Significance.

Ambry Genetics
Classification: Uncertain significance for Hereditary cancer-predisposing syndrome. Last evaluated: 2024-07-26. Review status: criteria provided, single submitter. Criteria: Ambry Variant Classification Scheme 2023. Collection method: clinical testing. Allele origin: germline.
Comment: The p.I157V variant (also known as c.469A>G), located in coding exon 1 of the AXIN2 gene, results from an A to G substitution at nucleotide position 469. The isoleucine at codon 157 is replaced by valine, an amino acid with highly similar properties. This amino acid position is well conserved in available vertebrate species. In addition, this alteration is predicted to be tolerated by in silico analysis. Since supporting evidence is limited at this time, the clinical significance of this alteration remains unclear.

Baylor Genetics
Classification: Uncertain significance for Colorectal cancer. Last evaluated: 2023-09-26. Review status: criteria provided, single submitter. Criteria: ACMG Guidelines, 2015. Collection method: clinical testing. Allele origin: unknown.

Sema4
Classification: Uncertain significance for Hereditary cancer-predisposing syndrome. Last evaluated: 2022-01-25. Review status: criteria provided, single submitter. Criteria: Sema4 Curation Guidelines. Collection method: curation. Allele origin: germline.
Comment: The AXIN2 c.469A>G (p.I157V) variant has not been reported in the literature to our knowledge. It was not observed in the large and broad cohorts of the Genome Aggregation Database. This variant has been reported in ClinVar (Variation ID 408842). Functional studies have not been performed, and in silico predictions of the variant's effect on protein function are inconclusive. The evidence is insufficient to meet ACMG/AMP criteria for classifying the variant as benign or pathogenic. Thus, the clinical significance of this variant is currently uncertain.

GeneDx
Classification: Uncertain significance. Last evaluated: 2016-09-26. Review status: criteria provided, single submitter. Criteria: GeneDx Variant Classification (06012015). Collection method: clinical testing. Allele origin: germline. Affected: yes.
Comment: This variant is denoted AXIN2 c.469A>G at the cDNA level, p.Ile157Val (I157V) at the protein level, and results in the change of an Isoleucine to a Valine (ATA>GTA). This variant has not, to our knowledge, been published in the literature as pathogenic or benign. AXIN2 Ile157Val was not observed in approximately 6,500 individuals of European and African American ancestry in the NHLBI Exome Sequencing Project, suggesting it is not a common benign variant in these populations. Since Isoleucine and Valine share similar properties, this is considered a conservative amino acid substitution. AXIN2 Ile157Val occurs at a position where amino acids with properties similar to Isoleucine are tolerated across species and is located in the RGS domain (Salahshor 2005). In silico analyses are inconsistent regarding the effect this variant may have on protein structure and function. Based on currently available evidence, it is unclear whether AXIN2 Ile157Val is a pathogenic or benign variant. We consider it to be a variant of uncertain significance.